The following is an entry in ClinVar:

NM_152384.3(BBS5):c.839C>A (p.Thr280Lys)

Gene: BBS5 (Bardet-Biedl syndrome 5; plus strand). Cytogenetic location: 2q31.1.
Variant type: single nucleotide variant.
Coding change: c.839C>A on transcript NM_152384.3 (MANE Select); coding-DNA position 839, C replaced by A.
Protein change: p.Thr280Lys; replaces threonine 280 with lysine.
Molecular consequence: missense variant.
Genome position (GRCh38, 1-based): chr2:169,503,117, C>A. VCF-style: chr2-169503117-C-A. GRCh37 (hg19) VCF-style: chr2-170359627-C-A.
Other names: short protein forms T280K.
Identifiers: ClinVar variation 1460764 (VCV001460764.6), dbSNP rs1683839253, ClinGen allele CA349168639.

ClinVar aggregate classification (germline): Uncertain significance (1 of 4 stars; one submission).

Conditions:
Bardet-Biedl syndrome (BBS). Identifiers: Orphanet 110, MedGen C0752166, MONDO:0015229.

Submission:

Labcorp Genetics (formerly Invitae), Labcorp
Classification: Uncertain significance for Bardet-Biedl syndrome. Last evaluated: 2021-09-15. Review status: criteria provided, single submitter. Criteria: Invitae Variant Classification Sherloc (09022015). Collection method: clinical testing. Allele origin: germline.
Comment: This sequence change replaces threonine with lysine at codon 280 of the BBS5 protein (p.Thr280Lys). The threonine residue is highly conserved and there is a moderate physicochemical difference between threonine and lysine. This variant is not present in population databases (ExAC no frequency). This variant has not been reported in the literature in individuals affected with BBS5-related conditions. Algorithms developed to predict the effect of missense changes on protein structure and function are either unavailable or do not agree on the potential impact of this missense change (SIFT: "Tolerated"; PolyPhen-2: "Probably Damaging"; Align-GVGD: "Class C0"). In summary, the available evidence is currently insufficient to determine the role of this variant in disease. Therefore, it has been classified as a Variant of Uncertain Significance.